The following is an entry in ClinVar:

ClinVar aggregate classification (germline): Conflicting classifications of pathogenicity. Review status: criteria provided, conflicting classifications (1 of 4 stars). 4 submissions from 4 submitters: Uncertain significance (3); Likely benign (1). Last evaluated 2024-12-30.

Conditions:
Hereditary cancer-predisposing syndrome. Also called: Neoplastic Syndromes, Hereditary; Hereditary Cancer Syndrome; Tumor predisposition; Hereditary neoplastic syndrome. Identifiers: Orphanet 140162, MedGen C0027672, MeSH D009386, MONDO:0015356.
Hereditary breast ovarian cancer syndrome. Also called: Hereditary breast and ovarian cancer; Hereditary breast and ovarian cancer syndrome; Breast and ovarian cancer; BRCA1- and BRCA2-Associated Hereditary Breast and Ovarian Cancer; Hereditary breast and/or ovarian cancer syndrome; Hereditary breast and ovarian cancer syndrome (HBOC). Identifiers: Orphanet 145, MedGen C0677776, MeSH D061325, MONDO:0003582. Disease mechanism: loss of function.

Submissions (4):

Labcorp Genetics (formerly Invitae), Labcorp
Classification: Uncertain significance for Hereditary breast ovarian cancer syndrome. Last evaluated: 2024-12-30. Review status: criteria provided, single submitter. Criteria: Invitae Variant Classification Sherloc (09022015). Collection method: clinical testing. Allele origin: germline.
Comment: This sequence change replaces serine, which is neutral and polar, with glycine, which is neutral and non-polar, at codon 1021 of the BRCA1 protein (p.Ser1021Gly). This variant is not present in population databases (gnomAD no frequency). This variant has not been reported in the literature in individuals affected with BRCA1-related conditions. ClinVar contains an entry for this variant (Variation ID: 993203). Invitae Evidence Modeling of protein sequence and biophysical properties (such as structural, functional, and spatial information, amino acid conservation, physicochemical variation, residue mobility, and thermodynamic stability) indicates that this missense variant is not expected to disrupt BRCA1 protein function with a negative predictive value of 80%. Algorithms developed to predict the effect of sequence changes on RNA splicing suggest that this variant may create or strengthen a splice site. In summary, the available evidence is currently insufficient to determine the role of this variant in disease. Therefore, it has been classified as a Variant of Uncertain Significance.

Ambry Genetics
Classification: Uncertain significance for Hereditary cancer-predisposing syndrome. Last evaluated: 2024-10-15. Review status: criteria provided, single submitter. Criteria: Ambry Variant Classification Scheme 2023. Collection method: clinical testing. Allele origin: germline.
Comment: The p.S1021G variant (also known as c.3061A>G), located in coding exon 9 of the BRCA1 gene, results from an A to G substitution at nucleotide position 3061. The serine at codon 1021 is replaced by glycine, an amino acid with similar properties. This amino acid position is conserved. In addition, the in silico prediction for this alteration is inconclusive. Based on the available evidence, the clinical significance of this variant remains unclear.

University of Washington Department of Laboratory Medicine, University of Washington
Classification: Likely benign for Hereditary cancer-predisposing syndrome. Last evaluated: 2023-03-23. Review status: criteria provided, single submitter. Criteria: Dines et al. (Genet Med. 2020). Collection method: curation. Allele origin: germline.
Comment: Missense variant in a coldspot region where missense variants are very unlikely to be pathogenic (PMID:31911673).

BRCA1 coldspot (exon 11 using historical exon numbering). Reclassification based on statistical prior probability

Quest Diagnostics Nichols Institute San Juan Capistrano
Classification: Uncertain significance. Last evaluated: 2020-03-25. Review status: criteria provided, single submitter. Criteria: Quest Diagnostics criteria. Collection method: clinical testing. Allele origin: unknown.

NM_007294.4(BRCA1):c.3061A>G (p.Ser1021Gly)

Gene: BRCA1 (BRCA1 DNA repair associated; minus strand). Cytogenetic location: 17q21.31.
Variant type: single nucleotide variant.
Coding change: c.3061A>G on transcript NM_007294.4 (MANE Select); coding-DNA position 3061, A replaced by G.
Protein change: p.Ser1021Gly; replaces serine 1021 with glycine.
Molecular consequence: missense variant. On other transcripts: intron variant (137).
Genome position (GRCh38, 1-based): chr17:43,092,470, T>C on the plus strand (A>G on the coding strand, the complement: BRCA1 is on the minus strand). VCF-style: chr17-43092470-T-C. GRCh37 (hg19) VCF-style: chr17-41244487-T-C.
Other names: c.3058A>G, p.Ser1020Gly (NM_001407611.1, NM_001407612.1, NM_001407613.1 and 22 more transcripts); c.3061A>G, p.Ser1021Gly (NM_001407616.1, NM_001407617.1, NM_001407618.1 and 30 more transcripts); c.3052A>G, p.Ser1018Gly (NM_001407646.1, NM_001407647.1); c.2938A>G, p.Ser980Gly (NM_001407648.1, NM_001407664.1, NM_001407665.1 and 19 more transcripts); c.2935A>G, p.Ser979Gly (NM_001407649.1, NM_001407670.1, NM_001407671.1 and 11 more transcripts); c.2983A>G, p.Ser995Gly (NM_001407653.1, NM_001407654.1, NM_001407655.1 and 4 more transcripts); c.2980A>G, p.Ser994Gly (NM_001407659.1, NM_001407660.1, NM_001407661.1 and 1 more transcripts); c.2920A>G, p.Ser974Gly (NM_001407692.1, NM_001407694.1, NM_001407695.1 and 29 more transcripts); and 41 more; short protein forms S1021G, S974G, S894G, S910G, S950G, S995G, S1018G, S1020G.
Identifiers: ClinVar variation 993203 (VCV000993203.7), dbSNP rs2053648539, ClinGen allele CA10595866.